The following is an entry in ClinVar:

ClinVar aggregate classification (germline): Uncertain significance (1 of 4 stars; one submission).

Conditions:
Cardiovascular phenotype. Identifiers: MedGen CN230736.

Submission:

Ambry Genetics
Classification: Uncertain significance for Cardiovascular phenotype. Last evaluated: 2020-06-30. Review status: criteria provided, single submitter. Criteria: Ambry Variant Classification Scheme 2023. Collection method: clinical testing. Allele origin: germline.
Comment: The p.G4886R variant (also known as c.14656G>A), located in coding exon 54 of the TTN gene, results from a G to A substitution at nucleotide position 14656. The glycine at codon 4886 is replaced by arginine, an amino acid with dissimilar properties. This amino acid position is highly conserved in available vertebrate species. In addition, this alteration is predicted to be tolerated by in silico analysis. Since supporting evidence is limited at this time, the clinical significance of this alteration remains unclear.

NM_001267550.2(TTN):c.41851G>A (p.Gly13951Arg)

Gene: TTN (titin; minus strand). Cytogenetic location: 2q31.2.
Variant type: single nucleotide variant.
Coding change: c.41851G>A on transcript NM_001267550.2 (MANE Select); coding-DNA position 41851, G replaced by A.
Protein change: p.Gly13951Arg; replaces glycine 13951 with arginine.
Molecular consequence: missense variant.
Genome position (GRCh38, 1-based): chr2:178,635,473, C>T on the plus strand (G>A on the coding strand, the complement: TTN is on the minus strand). VCF-style: chr2-178635473-C-T. GRCh37 (hg19) VCF-style: chr2-179500200-C-T.
Other names: c.36928G>A, p.Gly12310Arg (NM_001256850.1); c.14656G>A, p.Gly4886Arg (NM_003319.4); c.34147G>A, p.Gly11383Arg (NM_133378.4); c.15031G>A, p.Gly5011Arg (NM_133432.3); c.15232G>A, p.Gly5078Arg (NM_133437.4); short protein forms G12310R, G5078R, G4886R, G11383R, G13951R, G5011R.
Identifiers: ClinVar variation 1773230 (VCV001773230.2), dbSNP rs2471589880, ClinGen allele CA349656838.
Genomic context (GRCh38, chr2:178,635,473, plus strand): 5'-ATTTGAATAAAAGGTAAGATTTTATACCTCCAAGTGTCAGCTTTGCAGGGTATCTTTTTC[C>T]TTCAATTTCCACTGCATACTCAGCAATATCTTCTGGCATAGCATTCTTAATTTTGAGGTA-3'
Protein context (NP_001254479.2, residues 13941-13961): DIAEYAVEIE[Gly13951Arg]KRYPAKLTLG